The following is an entry in ClinVar:

ClinVar aggregate classification (germline): Uncertain significance. Review status: criteria provided, multiple submitters, no conflicts (2 of 4 stars). 2 submissions from 2 submitters: Uncertain significance (2). Last evaluated 2025-05-18.

Conditions:
Inborn genetic diseases. Identifiers: MedGen C0950123, MeSH D030342.

Allele frequency attached by ClinVar (database versions not stated): gnomAD exomes 0.00001; ExAC 0.00002.
gnomAD v4.1: 10 of 1,399,758 alleles (0.00071%); highest among the groups gnomAD compares: South Asian, 0.0034%; no homozygotes.

Submissions (2):

Ambry Genetics
Classification: Uncertain significance for Inborn genetic diseases. Last evaluated: 2025-05-18. Review status: criteria provided, single submitter. Criteria: Ambry Variant Classification Scheme 2023. Collection method: clinical testing. Allele origin: germline.

Labcorp Genetics (formerly Invitae), Labcorp
Classification: Uncertain significance. Last evaluated: 2025-01-18. Review status: criteria provided, single submitter. Criteria: Invitae Variant Classification Sherloc (09022015). Collection method: clinical testing. Allele origin: germline.
Comment: This sequence change replaces threonine, which is neutral and polar, with methionine, which is neutral and non-polar, at codon 325 of the LRP5 protein (p.Thr325Met). This variant is present in population databases (rs760196023, gnomAD 0.003%). This variant has not been reported in the literature in individuals affected with LRP5-related conditions. ClinVar contains an entry for this variant (Variation ID: 1011583). Invitae Evidence Modeling of protein sequence and biophysical properties (such as structural, functional, and spatial information, amino acid conservation, physicochemical variation, residue mobility, and thermodynamic stability) has been performed for this missense variant. However, the output from this modeling did not meet the statistical confidence thresholds required to predict the impact of this variant on LRP5 protein function. In summary, the available evidence is currently insufficient to determine the role of this variant in disease. Therefore, it has been classified as a Variant of Uncertain Significance.

NM_002335.4(LRP5):c.974C>T (p.Thr325Met)

Gene: LRP5 (LDL receptor related protein 5; plus strand). Cytogenetic location: 11q13.2.
Variant type: single nucleotide variant.
Coding change: c.974C>T on transcript NM_002335.4 (MANE Select); coding-DNA position 974, C replaced by T.
Protein change: p.Thr325Met; replaces threonine 325 with methionine.
Molecular consequence: missense variant. On other transcripts: 5 prime UTR variant (1).
Genome position (GRCh38, 1-based): chr11:68,365,661, C>T. VCF-style: chr11-68365661-C-T. GRCh37 (hg19) VCF-style: chr11-68133129-C-T.
Other names: c.-792C>T (NM_001291902.2); c.974C>T (NM_002335.2); short protein forms T325M.
Identifiers: ClinVar variation 1011583 (VCV001011583.11), dbSNP rs760196023, ClinGen allele CA6149173.